The following is an entry in ClinVar:

ClinVar aggregate classification (germline): Uncertain significance (1 of 4 stars; one submission).

Conditions:
Oligodontia-cancer predisposition syndrome. Also called: TOOTH AGENESIS-COLORECTAL CANCER SYNDROME. Identifiers: Orphanet 300576, MedGen C1837750, MONDO:0012075, OMIM 608615. Disease mechanism: loss of function.

Submission:

Labcorp Genetics (formerly Invitae), Labcorp
Classification: Uncertain significance for Oligodontia-cancer predisposition syndrome. Last evaluated: 2021-02-08. Review status: criteria provided, single submitter. Criteria: Invitae Variant Classification Sherloc (09022015). Collection method: clinical testing. Allele origin: germline.
Comment: Algorithms developed to predict the effect of missense changes on protein structure and function (SIFT, PolyPhen-2, Align-GVGD) all suggest that this variant is likely to be tolerated, but these predictions have not been confirmed by published functional studies and their clinical significance is uncertain. This variant has not been reported in the literature in individuals with AXIN2-related conditions. This variant is not present in population databases (ExAC no frequency). This sequence change replaces serine with phenylalanine at codon 648 of the AXIN2 protein (p.Ser648Phe). The serine residue is weakly conserved and there is a large physicochemical difference between serine and phenylalanine. In summary, the available evidence is currently insufficient to determine the role of this variant in disease. Therefore, it has been classified as a Variant of Uncertain Significance.

NM_004655.4(AXIN2):c.1943C>T (p.Ser648Phe)

Gene: AXIN2 (axin 2; minus strand). Cytogenetic location: 17q24.1.
Variant type: single nucleotide variant.
Coding change: c.1943C>T on transcript NM_004655.4 (MANE Select); coding-DNA position 1943, C replaced by T.
Protein change: p.Ser648Phe; replaces serine 648 with phenylalanine.
Molecular consequence: missense variant.
Genome position (GRCh38, 1-based): chr17:65,536,518, G>A on the plus strand (C>T on the coding strand, the complement: AXIN2 is on the minus strand). VCF-style: chr17-65536518-G-A. GRCh37 (hg19) VCF-style: chr17-63532636-G-A.
Other names: c.1748C>T, p.Ser583Phe (NM_001363813.1); short protein forms S648F, S583F.
Identifiers: ClinVar variation 1407897 (VCV001407897.8), dbSNP rs779214199, ClinGen allele CA400676283.
Genomic context (GRCh38, chr17:65,536,518, plus strand): 5'-CCGCTGTTGCCCCCCCACAGATGGTGCCGGCTGGCTCGTTCGCCTGGAGACGAGCGGGCA[G>A]ACTCCAAGGGGTAGGCCTTTTTTGTGCTTTGGGCACTAAACAAGGAATGAGCAGAGAGAA-3'
Protein context (NP_004646.3, residues 638-658): QSTKKAYPLE[Ser648Phe]ARSSPGERAS